The following is an entry in ClinVar:

ClinVar aggregate classification (germline): Uncertain significance (1 of 4 stars; one submission).

Submission:

Greenwood Genetic Center Diagnostic Laboratories, Greenwood Genetic Center
Classification: Uncertain significance. Last evaluated: 2023-04-20. Review status: criteria provided, single submitter. Criteria: ACMG Guidelines, 2015. Collection method: clinical testing. Allele origin: germline. Affected: yes.
Comment: PM2

NM_000829.4(GRIA4):c.*1298C>T

Gene: GRIA4 (glutamate ionotropic receptor AMPA type subunit 4; plus strand). Cytogenetic location: 11q22.3.
Variant type: single nucleotide variant.
Coding change: c.*1298C>T on transcript NM_000829.4 (MANE Select); 1298 bases downstream of the stop codon, C replaced by T.
Molecular consequence: 3 prime UTR variant. On other transcripts: non-coding transcript variant (1).
Genome position (GRCh38, 1-based): chr11:105,981,037, C>T. VCF-style: chr11-105981037-C-T. GRCh37 (hg19) VCF-style: chr11-105851764-C-T.
Other names: c.*1465C>T (NM_001077243.3).
Identifiers: ClinVar variation 2572354 (VCV002572354.1), dbSNP rs1859231931, ClinGen allele CA2580616416.